The following is an entry in ClinVar:

ClinVar aggregate classification (germline): Conflicting classifications of pathogenicity. Review status: criteria provided, conflicting classifications (1 of 4 stars). 6 submissions from 6 submitters: Uncertain significance (5); Likely benign (1). Last evaluated 2025-11-29.

Conditions:
Hereditary cancer-predisposing syndrome. Also called: Tumor predisposition; Hereditary Cancer Syndrome; Neoplastic Syndromes, Hereditary; Hereditary neoplastic syndrome. Identifiers: Orphanet 140162, MedGen C0027672, MeSH D009386, MONDO:0015356.
Familial cancer of breast. Also called: BREAST CANCER, FAMILIAL; Hereditary breast cancer; hereditary breast carcinoma. Identifiers: Orphanet 227535, MedGen C0346153, MONDO:0016419, OMIM 114480. Disease mechanism: loss of function.
Fanconi anemia complementation group J. Also called: BRIP1-Related Fanconi Anemia. Identifiers: Orphanet 84, MedGen C1836860, MONDO:0012187, OMIM 609054.

Allele frequency attached by ClinVar (database versions not stated): ExAC 0.00001; gnomAD exomes 0.00001 and 0.00002.
gnomAD v4.1: 20 of 1,613,476 alleles (0.0012%); highest among the groups gnomAD compares: South Asian, 0.0099%; no homozygotes.

Submissions (6):

Labcorp Genetics (formerly Invitae), Labcorp
Classification: Uncertain significance for Familial cancer of breast; Fanconi anemia complementation group J. Last evaluated: 2025-11-29. Review status: criteria provided, single submitter. Criteria: Invitae Variant Classification Sherloc (09022015). Collection method: clinical testing. Allele origin: germline.
Comment: This sequence change replaces arginine, which is basic and polar, with tryptophan, which is neutral and slightly polar, at codon 416 of the BRIP1 protein (p.Arg416Trp). This variant is present in population databases (rs587780225, gnomAD 0.01%). This missense change has been observed in individual(s) with BRIP1-related conditions (PMID: 25186627, 35534704). ClinVar contains an entry for this variant (Variation ID: 128152). Invitae Evidence Modeling of protein sequence and biophysical properties (such as structural, functional, and spatial information, amino acid conservation, physicochemical variation, residue mobility, and thermodynamic stability) indicates that this missense variant is not expected to disrupt BRIP1 protein function with a negative predictive value of 95%. In summary, the available evidence is currently insufficient to determine the role of this variant in disease. Therefore, it has been classified as a Variant of Uncertain Significance.

Ambry Genetics
Classification: Likely benign for Hereditary cancer-predisposing syndrome. Last evaluated: 2025-05-13. Review status: criteria provided, single submitter. Criteria: Ambry Variant Classification Scheme 2023. Collection method: clinical testing. Allele origin: germline.

Color Diagnostics, LLC DBA Color Health
Classification: Uncertain significance for Hereditary cancer-predisposing syndrome. Last evaluated: 2024-08-19. Review status: criteria provided, single submitter. Criteria: ACMG Guidelines, 2015. Collection method: clinical testing. Allele origin: germline.
Comment: This missense variant replaces arginine with tryptophan at codon 416 of the BRIP1 protein. Computational prediction suggests that this variant may not impact protein structure and function. To our knowledge, functional studies have not been performed for this variant. This variant has been reported in an individual affected with breast cancer (PMID: 25186627). This variant has also been identified in 5/251124 chromosomes in the general population by the Genome Aggregation Database (gnomAD). The available evidence is insufficient to determine the role of this variant in disease conclusively. Therefore, this variant is classified as a Variant of Uncertain Significance.

GeneDx
Classification: Uncertain significance. Last evaluated: 2023-06-08. Review status: criteria provided, single submitter. Criteria: GeneDx Variant Classification Process June 2021. Collection method: clinical testing. Allele origin: germline. Affected: yes.
Comment: Not observed at significant frequency in large population cohorts (gnomAD); In silico analysis supports that this missense variant has a deleterious effect on protein structure/function; Observed in an individual with breast cancer (Tung et al., 2015); This variant is associated with the following publications: (PMID: 25186627)

Laboratorio de Genetica e Diagnostico Molecular, Hospital Israelita Albert Einstein
Classification: Uncertain significance for Familial cancer of breast. Last evaluated: 2022-07-01. Review status: criteria provided, single submitter. Criteria: ACMG Guidelines, 2015. Collection method: clinical testing. Allele origin: germline. Affected: yes. Observed: 1 variant allele.
Comment: ACMG classification criteria: PS4 supporting, PM2 moderated, BP4 supporting

Women's Health and Genetics/Laboratory Corporation of America, LabCorp
Classification: Uncertain significance. Last evaluated: 2018-05-07. Review status: criteria provided, single submitter. Criteria: LabCorp Variant Classification Summary - May 2015. Collection method: clinical testing. Allele origin: germline.
Comment: Variant summary: BRIP1 c.1246C>T (p.Arg416Trp) results in a non-conservative amino acid change located in the Helicase superfamily 1/2, ATP-binding domain, DinG/Rad3-type and Helicase-like, DEXD box c2 type domain of the encoded protein sequence. Four of five in-silico tools predict a benign effect of the variant on protein function. The variant allele was found at a frequency of 2e-05 in 245884 control chromosomes. This frequency is not higher than expected for a pathogenic variant in BRIP1 causing Hereditary Breast and Ovarian Cancer (2e-05 vs 6.3e-05), allowing no conclusion about variant significance. c.1246C>T has been reported in the literature in one individual affected with Hereditary Breast and Ovarian Cancer. This report do not provide unequivocal conclusions about association of the variant with Hereditary Breast and Ovarian Cancer. To our knowledge, no experimental evidence demonstrating an impact on protein function has been reported. Two clinical diagnostic laboratories have submitted clinical-significance assessments for this variant to ClinVar after 2014 and both classified the variant as uncertain significance. Based on the evidence outlined above, the variant was classified as uncertain significance.

Literature cited by the submitters: PubMed 25186627 (cited by 4 submitters); PubMed 35534704 (cited by Labcorp Genetics (formerly Invitae), Labcorp).

NM_032043.3(BRIP1):c.1246C>T (p.Arg416Trp)

Gene: BRIP1 (BRCA1 interacting DNA helicase 1; minus strand). Cytogenetic location: 17q23.2.
Variant type: single nucleotide variant.
Coding change: c.1246C>T on transcript NM_032043.3 (MANE Select); coding-DNA position 1246, C replaced by T.
Protein change: p.Arg416Trp; replaces arginine 416 with tryptophan.
Molecular consequence: missense variant.
Genome position (GRCh38, 1-based): chr17:61,799,194, G>A on the plus strand (C>T on the coding strand, the complement: BRIP1 is on the minus strand). VCF-style: chr17-61799194-G-A. GRCh37 (hg19) VCF-style: chr17-59876555-G-A.
Other names: p.R416W:CGG>TGG; short protein forms R416W.
Identifiers: ClinVar variation 128152 (VCV000128152.24), dbSNP rs587780225, ClinGen allele CA288508.